The following is an entry in ClinVar:

ClinVar aggregate classification (germline): Uncertain significance. Review status: reviewed by expert panel (3 of 4 stars). 6 submissions from 5 submitters: Uncertain significance (1). 5 of the submissions do not count toward it. Last evaluated 2026-09-22.

Conditions:
Leber congenital amaurosis 2 (LCA2). Also called: AMAUROSIS CONGENITA OF LEBER II; Autosomal Recessive RPE65-Related Retinal Degeneration. Identifiers: Orphanet 65, MedGen C1859844, MONDO:0008765, OMIM 204100. Disease mechanism: loss of function.
Retinitis pigmentosa 20 (RP20). Identifiers: Orphanet 791, MedGen C3151086, MONDO:0013425, OMIM 613794.
RPE65-related recessive retinopathy. Also called: Recessive RPE65 retinopathy. Identifiers: MedGen CN305526, MONDO:0100368.
Retinitis pigmentosa 87 with choroidal involvement. Identifiers: MedGen C5231465, MONDO:0032873, OMIM 618697.
Retinitis pigmentosa (RP). Identifiers: Orphanet 791, MedGen C0035334, MeSH D012174, MONDO:0019200, OMIM 268000. Inheritance: Autosomal dominant, autosomal recessive and X linked inheritance.

Allele frequency attached by ClinVar (database versions not stated): ESP Exome Variant Server 0.00008; 1000 Genomes Project 30x 0.00016; 1000 Genomes Project 0.00020; gnomAD 0.00004 and 0.00005; ExAC 0.00005; gnomAD exomes 0.00006; TOPMed 0.00006.
gnomAD v4.1: 94 of 1,614,080 alleles (0.0058%); highest among the groups gnomAD compares: Middle Eastern, 0.049%; 1 homozygote.

Submissions (6):

ClinGen Leber Congenital Amaurosis/early Onset Retinal Dystrophy Variant Curation Expert Panel, ClinGen
Classification: Uncertain significance for RPE65-related recessive retinopathy. Last evaluated: 2026-09-22. Review status: reviewed by expert panel. Criteria: ClinGen LCAeoRD ACMG Specifications RPE65 V1.0.0. Collection method: curation. Allele origin: germline. Inheritance: Autosomal recessive inheritance.
Comment: NM_000329.3(RPE65):c.845A>G (p.Asn282Ser) is a missense variant resulting in substitution of asparagine by serine at codon 282. This variant is present in gnomAD v.4.1.1 at a Grpmax allele frequency of 0.0001340, with 3 / 6062 total alleles in the Middle Eastern population, which is lower than the ClinGen LCA / eoRD VCEP PM2_Supporting threshold of <0.0002 (PM2_Supporting). The computational predictor REVEL gives a score of 0.435, which is below the ClinGen LCA / eoRD VCEP threshold of >0.644 and does not predict a damaging effect on RPE65 function. Additionally, the splicing impact predictor SpliceAI gives a score of 0.00, which is below the ClinGen LCA / eoRD VCEP recommended threshold of ≥0.2 and does not strongly predict an impact on splicing. In summary, this variant meets the criteria to be classified as a variant of uncertain significance for RPE65-related recessive retinopathy based on the ACMG/AMP criteria applied, as specified by the ClinGen LCA / eoRD VCEP: PM2_Supporting. (VCEP specifications version 1.0.0).

Blueprint Genetics
Classification: Uncertain significance. Last evaluated: 2023-12-18. Review status: criteria provided, single submitter. Criteria: ACMG Guidelines, 2015. Collection method: clinical testing. Allele origin: germline. Not counted in ClinVar's aggregate classification.

Labcorp Genetics (formerly Invitae), Labcorp
Classification: Uncertain significance for Leber congenital amaurosis 2; Retinitis pigmentosa 20. Last evaluated: 2022-11-01. Review status: criteria provided, single submitter. Criteria: Invitae Variant Classification Sherloc (09022015). Collection method: clinical testing. Allele origin: germline. Not counted in ClinVar's aggregate classification.
Comment: This sequence change replaces asparagine, which is neutral and polar, with serine, which is neutral and polar, at codon 282 of the RPE65 protein (p.Asn282Ser). This variant is present in population databases (rs144612129, gnomAD 0.009%). This variant has not been reported in the literature in individuals affected with RPE65-related conditions. ClinVar contains an entry for this variant (Variation ID: 298022). Advanced modeling of protein sequence and biophysical properties (such as structural, functional, and spatial information, amino acid conservation, physicochemical variation, residue mobility, and thermodynamic stability) performed at Invitae indicates that this missense variant is not expected to disrupt RPE65 protein function. In summary, the available evidence is currently insufficient to determine the role of this variant in disease. Therefore, it has been classified as a Variant of Uncertain Significance.

Fulgent Genetics
Classification: Uncertain significance for Leber congenital amaurosis 2; Retinitis pigmentosa 20; Retinitis pigmentosa 87 with choroidal involvement. Last evaluated: 2021-07-24. Review status: criteria provided, single submitter. Criteria: ACMG Guidelines, 2015. Collection method: clinical testing. Allele origin: unknown. Not counted in ClinVar's aggregate classification.

Illumina Laboratory Services, Illumina
Classification: Uncertain significance for Leber congenital amaurosis 2. Last evaluated: 2018-01-12. Review status: criteria provided, single submitter. Criteria: ICSL Variant Classification Criteria 13 December 2019. Collection method: clinical testing. Allele origin: germline. Not counted in ClinVar's aggregate classification.

Illumina Laboratory Services, Illumina
Classification: Uncertain significance for Retinitis pigmentosa. Last evaluated: 2018-01-12. Review status: criteria provided, single submitter. Criteria: ICSL Variant Classification Criteria 13 December 2019. Collection method: clinical testing. Allele origin: germline. Not counted in ClinVar's aggregate classification.

NM_000329.3(RPE65):c.845A>G (p.Asn282Ser)

Gene: RPE65 (retinoid isomerohydrolase RPE65; minus strand). Cytogenetic location: 1p31.3.
Variant type: single nucleotide variant.
Coding change: c.845A>G on transcript NM_000329.3 (MANE Select); coding-DNA position 845, A replaced by G.
Protein change: p.Asn282Ser; replaces asparagine 282 with serine.
Molecular consequence: missense variant.
Genome position (GRCh38, 1-based): chr1:68,439,204, T>C on the plus strand (A>G on the coding strand, the complement: RPE65 is on the minus strand). VCF-style: chr1-68439204-T-C. GRCh37 (hg19) VCF-style: chr1-68904887-T-C.
Other names: NM_000329.3(RPE65):c.845A>G; p.Asn282Ser; short protein forms N282S.
Identifiers: ClinVar variation 298022 (VCV000298022.10), dbSNP rs144612129, ClinGen allele CA902383.
Genomic context (GRCh38, chr1:68,439,204, plus strand): 5'-ACATCTTCTTCAGAATCACAAACTTGACAAATATATCTAAGACTTACCCCCATGGTTTCA[T>C]TGGACTCAAAACAATCCATGTAGTTGGCTCCCCAAAGACTCCATGAAGAAAGGAACTTGA-3'
Protein context (NP_000320.1, residues 272-292): GANYMDCFES[Asn282Ser]ETMGVWLHIA